The following is an entry in ClinVar:

NM_021625.5(TRPV4):c.1034T>A (p.Met345Lys)

Gene: TRPV4 (transient receptor potential cation channel subfamily V member 4; minus strand). Cytogenetic location: 12q24.11.
Variant type: single nucleotide variant.
Coding change: c.1034T>A on transcript NM_021625.5 (MANE Select); coding-DNA position 1034, T replaced by A.
Protein change: p.Met345Lys; replaces methionine 345 with lysine.
Molecular consequence: missense variant.
Genome position (GRCh38, 1-based): chr12:109,798,732, A>T on the plus strand (T>A on the coding strand, the complement: TRPV4 is on the minus strand). VCF-style: chr12-109798732-A-T. GRCh37 (hg19) VCF-style: chr12-110236537-A-T.
Other names: c.893T>A, p.Met298Lys (NM_001177428.2, NM_001177433.2); c.932T>A, p.Met311Lys (NM_001177431.2); c.1034T>A, p.Met345Lys (NM_147204.3); short protein forms M298K, M311K, M345K.
Identifiers: ClinVar variation 3571779 (VCV003571779.1).

ClinVar aggregate classification (germline): Uncertain significance (1 of 4 stars; one submission).

gnomAD v4.1: 2 of 1,614,164 alleles (0.00012%); highest among the groups gnomAD compares: Non-Finnish European, 0.000085%; no homozygotes.

Submission:

Athena Diagnostics
Classification: Uncertain significance. Last evaluated: 2024-04-02. Review status: criteria provided, single submitter. Criteria: Athena Diagnostics Criteria. Collection method: clinical testing. Allele origin: unknown.
Comment: Available data are insufficient to determine the clinical significance of the variant at this time. This variant has not been reported in large, multi-ethnic general populations. Computational tools predict that this variant is damaging.